The following is an entry in ClinVar:

ClinVar aggregate classification (germline): Likely benign (1 of 4 stars; one submission).

Conditions:
LRP5-related disorder. Also called: LRP5-related condition.

Submission:

PreventionGenetics, part of Exact Sciences
Classification: Likely benign for LRP5-related condition. Last evaluated: 2024-12-12. Review status: criteria provided, single submitter. Criteria: ACMG Guidelines, 2015. Collection method: clinical testing. Allele origin: germline.
Comment: This variant is classified as likely benign based on ACMG/AMP sequence variant interpretation guidelines (Richards et al. 2015 PMID: 25741868, with internal and published modifications).

NM_002335.4(LRP5):c.2034A>T (p.Ser678=)

Gene: LRP5 (LDL receptor related protein 5; plus strand). Cytogenetic location: 11q13.2.
Variant type: single nucleotide variant.
Coding change: c.2034A>T on transcript NM_002335.4 (MANE Select); coding-DNA position 2034, A replaced by T.
Protein change: p.Ser678=; no amino-acid change (serine 678 retained).
Molecular consequence: synonymous variant.
Genome position (GRCh38, 1-based): chr11:68,406,756, A>T. VCF-style: chr11-68406756-A-T. GRCh37 (hg19) VCF-style: chr11-68174224-A-T.
Other names: c.291A>T, p.Ser97= (NM_001291902.2).
Identifiers: ClinVar variation 5001928 (VCV005001928.1).